The following is an entry in ClinVar:

NM_001127671.2(LIFR):c.1435C>T (p.Gln479Ter)

Gene: LIFR (LIF receptor subunit alpha; minus strand). Cytogenetic location: 5p13.1.
Variant type: single nucleotide variant.
Coding change: c.1435C>T on transcript NM_001127671.2 (MANE Select); coding-DNA position 1435, C replaced by T.
Protein change: p.Gln479Ter; replaces glutamine 479 with a stop codon.
Molecular consequence: nonsense.
Genome position (GRCh38, 1-based): chr5:38,503,978, G>A on the plus strand (C>T on the coding strand, the complement: LIFR is on the minus strand). VCF-style: chr5-38503978-G-A. GRCh37 (hg19) VCF-style: chr5-38504080-G-A.
Other names: c.1435C>T, p.Gln479Ter (NM_001364297.2, NM_001364298.2, NM_002310.6); short protein forms Q479*.
Identifiers: ClinVar variation 968620 (VCV000968620.7), dbSNP rs1745315730, ClinGen allele CA359542453.

ClinVar aggregate classification (germline): Pathogenic (1 of 4 stars; one submission).

Submission:

Labcorp Genetics (formerly Invitae), Labcorp
Classification: Pathogenic. Last evaluated: 2019-10-03. Review status: criteria provided, single submitter. Criteria: Invitae Variant Classification Sherloc (09022015). Collection method: clinical testing. Allele origin: germline.
Comment: For these reasons, this variant has been classified as Pathogenic. Loss-of-function variants in LIFR are known to be pathogenic (PMID: 14740318). Algorithms developed to predict the effect of sequence changes on RNA splicing suggest that this variant may create or strengthen a splice site, but this prediction has not been confirmed by published transcriptional studies. This variant has not been reported in the literature in individuals with LIFR-related conditions. This variant is not present in population databases (ExAC no frequency). This sequence change creates a premature translational stop signal (p.Gln479*) in the LIFR gene. It is expected to result in an absent or disrupted protein product.

Literature cited by the submitters: PubMed 14740318.